The following is an entry in ClinVar:

ClinVar aggregate classification (germline): Uncertain significance. Review status: criteria provided, multiple submitters, no conflicts (2 of 4 stars). 3 submissions from 3 submitters: Uncertain significance (3). Last evaluated 2024-11-11.

Conditions:
Inborn genetic diseases. Identifiers: MedGen C0950123, MeSH D030342.

Allele frequency attached by ClinVar (database versions not stated): gnomAD 0.00005; TOPMed 0.00007.
gnomAD v4.1: 90 of 1,612,692 alleles (0.0056%); highest among the groups gnomAD compares: Admixed American, 0.018%; no homozygotes.

Submissions (3):

GeneDx
Classification: Uncertain significance. Last evaluated: 2024-11-11. Review status: criteria provided, single submitter. Criteria: GeneDx Variant Classification Process June 2021. Collection method: clinical testing. Allele origin: germline. Affected: yes.
Comment: Has not been previously published as pathogenic or benign to our knowledge; In silico analysis does not support a benign or deleterious effect of this variant on protein structure/function

CeGaT Center for Human Genetics Tuebingen
Classification: Uncertain significance. Last evaluated: 2024-02-01. Review status: criteria provided, single submitter. Criteria: CeGaT Center For Human Genetics Tuebingen Variant Classification Criteria Version 2. Collection method: clinical testing. Allele origin: germline. Affected: yes. Observed: 1 variant allele.
Comment: LTBP4: PM2

Ambry Genetics
Classification: Uncertain significance for Inborn genetic diseases. Last evaluated: 2023-10-05. Review status: criteria provided, single submitter. Criteria: Ambry Variant Classification Scheme 2023. Collection method: clinical testing. Allele origin: germline.

NM_001042545.2(LTBP4):c.4553C>T (p.Ser1518Phe)

Gene: LTBP4 (latent transforming growth factor beta binding protein 4; plus strand). Cytogenetic location: 19q13.2.
Variant type: single nucleotide variant.
Coding change: c.4553C>T on transcript NM_001042545.2 (MANE Select); coding-DNA position 4553, C replaced by T.
Protein change: p.Ser1518Phe; replaces serine 1518 with phenylalanine.
Molecular consequence: missense variant.
Genome position (GRCh38, 1-based): chr19:40,629,429, C>T. VCF-style: chr19-40629429-C-T. GRCh37 (hg19) VCF-style: chr19-41135334-C-T.
Other names: c.4754C>T, p.Ser1585Phe (NM_001042544.1); c.4643C>T, p.Ser1548Phe (NM_003573.2); short protein forms S1518F, S1548F, S1585F.
Identifiers: ClinVar variation 3025884 (VCV003025884.23), dbSNP rs781061848, ClinGen allele CA9449374.